The following is an entry in ClinVar:

NM_000834.5(GRIN2B):c.2664C>T (p.Thr888=)

Gene: GRIN2B (glutamate ionotropic receptor NMDA type subunit 2B; minus strand). Cytogenetic location: 12p13.1.
Variant type: single nucleotide variant.
Coding change: c.2664C>T on transcript NM_000834.5 (MANE Select); coding-DNA position 2664, C replaced by T.
Protein change: p.Thr888=; no amino-acid change (threonine 888 retained).
Molecular consequence: synonymous variant.
Genome position (GRCh38, 1-based): chr12:13,564,574, G>A on the plus strand (C>T on the coding strand, the complement: GRIN2B is on the minus strand). VCF-style: chr12-13564574-G-A. GRCh37 (hg19) VCF-style: chr12-13717508-G-A.
Other names: p.Thr888=; c.2664C>T (NM_000834.4).
Identifiers: ClinVar variation 98437 (VCV000098437.31), dbSNP rs1806201, ClinGen allele CA153046.
Genomic context (GRCh38, chr12:13,564,574, plus strand): 5'-CATGTTCTTGGCCGTGCGCAGCAGGCGCAGGATGTTGGAGTGTGTGTTGTTCATGGTTGC[G>A]GTGGGGGAGTTCATTACAGACTGGCGCTCCTCGATCGCCACCCCATGGATGCAGCTGTAG-3'
Protein context (NP_000825.2, residues 878-898): EERQSVMNSP[Thr888=]ATMNNTHSNI

ClinVar aggregate classification (germline): Benign/Likely benign. Review status: criteria provided, multiple submitters, no conflicts (2 of 4 stars). 12 submissions from 12 submitters: Benign (7); Likely benign (1). 4 of the submissions do not count toward it. Last evaluated 2026-02-03.

Conditions:
Inborn genetic diseases. Identifiers: MedGen C0950123, MeSH D030342.
Intellectual developmental disorder, autosomal dominant 6, with or without seizures. Also called: Intellectual disability, autosomal dominant 6; GRIN2B-related developmental delay, intellectual disability and autism spectrum disorder. Identifiers: Orphanet 589547, MedGen C3151411, MONDO:0013509, OMIM 613970.
Developmental and epileptic encephalopathy, 27 (DEE27). Also called: Epileptic encephalopathy, early infantile, 27; GRIN2B-Related Neurodevelopmental Disorder. Identifiers: Orphanet 3451, MedGen C4015316, MONDO:0014505, OMIM 616139.

Allele frequency attached by ClinVar (database versions not stated): gnomAD exomes 0.28825 and 0.31631; 1000 Genomes Project 30x 0.29638; 1000 Genomes Project 0.30331; ESP Exome Variant Server 0.21782; gnomAD 0.23527 and 0.24515; TOPMed 0.24009; ExAC 0.31023.
gnomAD v4.1: 458,987 of 1,613,394 alleles (28%); highest among the groups gnomAD compares: East Asian, 50%; 69,306 homozygotes.

Submissions (12):

Labcorp Genetics (formerly Invitae), Labcorp
Classification: Benign for Developmental and epileptic encephalopathy, 27; Intellectual developmental disorder, autosomal dominant 6, with or without seizures. Last evaluated: 2026-02-03. Review status: criteria provided, single submitter. Criteria: Invitae Variant Classification Sherloc (09022015). Collection method: clinical testing. Allele origin: germline.

Blueprint Genetics
Classification: Likely benign. Last evaluated: 2024-11-27. Review status: criteria provided, single submitter. Criteria: ACMG Guidelines, 2015. Collection method: clinical testing. Allele origin: germline.

Unidad de Genómica Garrahan, Hospital de Pediatría Garrahan
Classification: Benign. Last evaluated: 2024-07-15. Review status: criteria provided, single submitter. Criteria: ACMG Guidelines, 2015. Collection method: clinical testing. Allele origin: germline. Affected: no. Observed: 44 variant alleles.
Comment: This variant is classified as Benign based on local population frequency. This variant was detected in 47% of patients studied in a panel designed for Epileptic and Developmental Encephalopathy and Progressive Myoclonus Epilepsy. Number of patients: 44. Only high quality variants are reported.

Mayo Clinic Laboratories, Mayo Clinic
Classification: Benign. Last evaluated: 2018-07-30. Review status: criteria provided, single submitter. Criteria: ACMG Guidelines, 2015. Collection method: clinical testing. Allele origin: germline. Observed: 262 variant alleles.

Athena Diagnostics
Classification: Benign. Last evaluated: 2017-04-20. Review status: criteria provided, single submitter. Criteria: Athena Diagnostics Criteria. Collection method: clinical testing. Allele origin: germline.

Ambry Genetics
Classification: Benign for Inborn genetic diseases. Last evaluated: 2016-01-08. Review status: criteria provided, single submitter. Criteria: Ambry Variant Classification Scheme 2023. Collection method: clinical testing. Allele origin: germline.

GeneDx
Classification: Benign. Last evaluated: 2015-03-03. Review status: criteria provided, single submitter. Criteria: GeneDx Variant Classification Process June 2021. Collection method: clinical testing. Allele origin: germline. Affected: yes.
Comment: This variant is associated with the following publications: (PMID: 24292895, 17569088)

Breakthrough Genomics
Classification: Benign. Review status: criteria provided, single submitter. Criteria: ACMG Guidelines, 2015. Collection method: not provided. Allele origin: germline. Inheritance: Autosomal dominant inheritance. Affected: yes.

Diagnostic Laboratory, Department of Genetics, University Medical Center Groningen
Classification: Benign. Review status: no assertion criteria provided. Collection method: clinical testing. Allele origin: germline. Affected: yes. Study: VKGL Data-share Consensus. Not counted in ClinVar's aggregate classification.

Genetic Services Laboratory, University of Chicago
Classification: Likely benign for AllHighlyPenetrant. Review status: no assertion criteria provided. Collection method: clinical testing. Allele origin: germline. Inheritance: Autosomal dominant inheritance. Not counted in ClinVar's aggregate classification.
Comment: Likely benign based on allele frequency in 1000 Genomes Project or ESP global frequency and its presence in a patient with a rare or unrelated disease phenotype. NOT Sanger confirmed.

Joint Genome Diagnostic Labs from Nijmegen and Maastricht, Radboudumc and MUMC+
Classification: Benign. Review status: no assertion criteria provided. Collection method: clinical testing. Allele origin: germline. Affected: yes. Study: VKGL Data-share Consensus. Not counted in ClinVar's aggregate classification.

Psychiatry Genetics Yale University
No classification provided. Review status: no classification provided. Collection method: not provided. Allele origin: not provided. Not counted in ClinVar's aggregate classification.